The following is an entry in ClinVar:

NM_182961.4(SYNE1):c.4789-13G>A

Gene: SYNE1 (spectrin repeat containing nuclear envelope protein 1; minus strand). Cytogenetic location: 6q25.2.
Variant type: single nucleotide variant.
Coding change: c.4789-13G>A on transcript NM_182961.4 (MANE Select); 13 bases into the intron before coding-DNA position 4789, G replaced by A.
Molecular consequence: intron variant.
Genome position (GRCh38, 1-based): chr6:152,428,405, C>T on the plus strand (G>A on the coding strand, the complement: SYNE1 is on the minus strand). VCF-style: chr6-152428405-C-T. GRCh37 (hg19) VCF-style: chr6-152749540-C-T.
Other names: c.4810-13G>A (NM_033071.5).
Identifiers: ClinVar variation 289840 (VCV000289840.19), dbSNP rs142900784, ClinGen allele CA4058452.

ClinVar aggregate classification (germline): Benign/Likely benign. Review status: criteria provided, multiple submitters, no conflicts (2 of 4 stars). 8 submissions from 7 submitters: Benign (4); Likely benign (2). 2 of the submissions do not count toward it. Last evaluated 2026-01-27.

Conditions:
Autosomal recessive ataxia, Beauce type. Also called: Spinocerebellar ataxia, autosomal recessive 8; ATAXIA, RECESSIVE, OF BEAUCE; SYNE1 Deficiency; SYNE1-Related Autosomal Recessive Cerebellar Ataxia. Identifiers: Orphanet 88644, MedGen C1853116, MONDO:0012549, OMIM 610743.
Emery-Dreifuss muscular dystrophy 4, autosomal dominant (EDMD4). Also called: EMERY-DREIFUSS MUSCULAR DYSTROPHY 4 WITH VARIABLE FEATURES. Identifiers: Orphanet 261, MedGen C2751807, MONDO:0013071, OMIM 612998.

Allele frequency attached by ClinVar (database versions not stated): 1000 Genomes Project 30x 0.00219; 1000 Genomes Project 0.00240; TOPMed 0.00495; gnomAD exomes 0.00514; ExAC 0.00524; gnomAD 0.00556 and 0.00579; ESP Exome Variant Server 0.00607.
gnomAD v4.1: 10,123 of 1,612,740 alleles (0.63%); highest among the groups gnomAD compares: Non-Finnish European, 0.71%; 48 homozygotes.

Submissions (8):

Labcorp Genetics (formerly Invitae), Labcorp
Classification: Benign for Emery-Dreifuss muscular dystrophy 4, autosomal dominant; Autosomal recessive ataxia, Beauce type. Last evaluated: 2026-01-27. Review status: criteria provided, single submitter. Criteria: Invitae Variant Classification Sherloc (09022015). Collection method: clinical testing. Allele origin: germline.

Illumina Laboratory Services, Illumina
Classification: Benign for Emery-Dreifuss muscular dystrophy 4, autosomal dominant. Last evaluated: 2018-01-12. Review status: criteria provided, single submitter. Criteria: ICSL Variant Classification Criteria 13 December 2019. Collection method: clinical testing. Allele origin: germline.
Comment: This variant was observed in the ICSL laboratory as part of a predisposition screen in an ostensibly healthy population. It had not been previously curated by ICSL or reported in the Human Gene Mutation Database (HGMD: prior to June 1st, 2018), and was therefore a candidate for classification through an automated scoring system. Utilizing variant allele frequency, disease prevalence and penetrance estimates, and inheritance mode, an automated score was calculated to assess if this variant is too frequent to cause the disease. Based on the score and internal cut-off values, a variant classified as benign is not then subjected to further curation. The score for this variant resulted in a classification of benign for this disease.

Illumina Laboratory Services, Illumina
Classification: Likely benign for Autosomal recessive ataxia, Beauce type. Last evaluated: 2018-01-12. Review status: criteria provided, single submitter. Criteria: ICSL Variant Classification Criteria 13 December 2019. Collection method: clinical testing. Allele origin: germline.
Comment: This variant was observed in the ICSL laboratory as part of a predisposition screen in an ostensibly healthy population. It had not been previously curated by ICSL or reported in the Human Gene Mutation Database (HGMD: prior to June 1st, 2018), and was therefore a candidate for classification through an automated scoring system. Utilizing variant allele frequency, disease prevalence and penetrance estimates, and inheritance mode, an automated score was calculated to assess if this variant is too frequent to cause the disease. Based on the score and internal cut-off values, a variant classified as likely benign is not then subjected to further curation. The score for this variant resulted in a classification of likely benign for this disease.

GeneDx
Classification: Benign. Last evaluated: 2017-01-30. Review status: criteria provided, single submitter. Criteria: GeneDx Variant Classification (06012015). Collection method: clinical testing. Allele origin: germline. Affected: yes.
Comment: This variant is considered likely benign or benign based on one or more of the following criteria: it is a conservative change, it occurs at a poorly conserved position in the protein, it is predicted to be benign by multiple in silico algorithms, and/or has population frequency not consistent with disease.

Eurofins Ntd Llc (ga)
Classification: Benign. Last evaluated: 2016-08-11. Review status: criteria provided, single submitter. Criteria: EGL Classification Definitions 2015. Collection method: clinical testing. Allele origin: germline. Observed: 1 variant allele, 1 heterozygote.

Breakthrough Genomics
Classification: Likely benign. Review status: criteria provided, single submitter. Criteria: ACMG Guidelines, 2015. Collection method: not provided. Allele origin: germline. Inheritance: Autosomal recessive inheritance. Affected: yes.

Clinical Genetics DNA and cytogenetics Diagnostics Lab, Erasmus MC, Erasmus Medical Center
Classification: Likely benign. Review status: no assertion criteria provided. Collection method: clinical testing. Allele origin: germline. Affected: yes. Study: VKGL Data-share Consensus. Not counted in ClinVar's aggregate classification.

Genome Diagnostics Laboratory, University Medical Center Utrecht
Classification: Benign. Review status: no assertion criteria provided. Collection method: clinical testing. Allele origin: germline. Affected: yes. Study: VKGL Data-share Consensus. Not counted in ClinVar's aggregate classification.